The following is an entry in ClinVar:

ClinVar aggregate classification (germline): Benign/Likely benign. Review status: criteria provided, multiple submitters, no conflicts (2 of 4 stars). 7 submissions from 7 submitters: Benign (4); Likely benign (3). Last evaluated 2026-01-27.

Conditions:
Primary ciliary dyskinesia. Also called: Ciliary dyskinesia. Identifiers: Orphanet 244, MedGen C0008780, MONDO:0016575, HP:0012265.
Primary ciliary dyskinesia 10. Also called: CILIARY DYSKINESIA, PRIMARY, 10, WITH OR WITHOUT SITUS INVERSUS. Identifiers: Orphanet 244, MedGen C2675867, MONDO:0012918, OMIM 612518.

Allele frequency attached by ClinVar (database versions not stated): gnomAD exomes 0.00143 and 0.00318; ExAC 0.00408; ESP Exome Variant Server 0.00943; 1000 Genomes Project 30x 0.01062; 1000 Genomes Project 0.01078; gnomAD 0.01349 and 0.01450; TOPMed 0.01515.
gnomAD v4.1: 4,168 of 1,559,432 alleles (0.27%); highest among the groups gnomAD compares: African/African-American, 4.7%; 78 homozygotes.

Submissions (7):

Labcorp Genetics (formerly Invitae), Labcorp
Classification: Benign for Primary ciliary dyskinesia. Last evaluated: 2026-01-27. Review status: criteria provided, single submitter. Criteria: Invitae Variant Classification Sherloc (09022015). Collection method: clinical testing. Allele origin: germline.

Fulgent Genetics
Classification: Likely benign for Primary ciliary dyskinesia 10. Last evaluated: 2021-10-07. Review status: criteria provided, single submitter. Criteria: ACMG Guidelines, 2015. Collection method: clinical testing. Allele origin: unknown.

GeneDx
Classification: Likely benign. Last evaluated: 2021-02-19. Review status: criteria provided, single submitter. Criteria: GeneDx Variant Classification Process June 2021. Collection method: clinical testing. Allele origin: germline. Affected: yes.

Illumina Laboratory Services, Illumina
Classification: Benign for Primary ciliary dyskinesia 10. Last evaluated: 2018-01-13. Review status: criteria provided, single submitter. Criteria: ICSL Variant Classification Criteria 13 December 2019. Collection method: clinical testing. Allele origin: germline.
Comment: This variant was observed in the ICSL laboratory as part of a predisposition screen in an ostensibly healthy population. It had not been previously curated by ICSL or reported in the Human Gene Mutation Database (HGMD: prior to June 1st, 2018), and was therefore a candidate for classification through an automated scoring system. Utilizing variant allele frequency, disease prevalence and penetrance estimates, and inheritance mode, an automated score was calculated to assess if this variant is too frequent to cause the disease. Based on the score and internal cut-off values, a variant classified as benign is not then subjected to further curation. The score for this variant resulted in a classification of benign for this disease.

Ambry Genetics
Classification: Benign for Primary ciliary dyskinesia. Last evaluated: 2014-09-09. Review status: criteria provided, single submitter. Criteria: Ambry Variant Classification Scheme 2023. Collection method: clinical testing. Allele origin: germline.

Breakthrough Genomics
Classification: Likely benign. Review status: criteria provided, single submitter. Criteria: ACMG Guidelines, 2015. Collection method: not provided. Allele origin: germline. Inheritance: Autosomal recessive inheritance. Affected: yes.

PreventionGenetics, part of Exact Sciences
Classification: Benign. Review status: criteria provided, single submitter. Criteria: ACMG Guidelines, 2015. Collection method: clinical testing. Allele origin: germline.

NM_018139.3(DNAAF2):c.707C>T (p.Pro236Leu)

Gene: DNAAF2 (dynein axonemal assembly factor 2; minus strand). Cytogenetic location: 14q21.3.
Variant type: single nucleotide variant.
Coding change: c.707C>T on transcript NM_018139.3 (MANE Select); coding-DNA position 707, C replaced by T.
Protein change: p.Pro236Leu; replaces proline 236 with leucine.
Molecular consequence: missense variant.
Genome position (GRCh38, 1-based): chr14:49,634,443, G>A on the plus strand (C>T on the coding strand, the complement: DNAAF2 is on the minus strand). VCF-style: chr14-49634443-G-A. GRCh37 (hg19) VCF-style: chr14-50101161-G-A.
Other names: c.707C>T, p.Pro236Leu (NM_001083908.2); short protein forms P236L.
Identifiers: ClinVar variation 221191 (VCV000221191.31), dbSNP rs74050429, ClinGen allele CA348368.
Genomic context (GRCh38, chr14:49,634,443, plus strand): 5'-CTGTAGCGAGGCTCGGTGGGGGCGGGCTGCAAGGCCGCTTCCGGAGGGGAGGGCGCCCGG[G>A]GCCCGGGGGCTGCCGGGTACTGGTAAGGGTAGGGGAAGTCCGGGAGAGGACCCTTCGGCT-3'
Protein context (NP_060609.2, residues 226-246): YPYQYPAAPG[Pro236Leu]RAPSPPEAAL